The following is an entry in ClinVar:

ClinVar aggregate classification (germline): Uncertain significance. Review status: criteria provided, multiple submitters, no conflicts (2 of 4 stars). 2 submissions from 2 submitters: Uncertain significance (2). Last evaluated 2025-09-05.

Conditions:
GREM1-related disorder. Also called: GREM1-related condition.
Hereditary cancer-predisposing syndrome. Also called: Neoplastic Syndromes, Hereditary; Hereditary neoplastic syndrome; Hereditary Cancer Syndrome; Tumor predisposition. Identifiers: Orphanet 140162, MedGen C0027672, MeSH D009386, MONDO:0015356.

Allele frequency attached by ClinVar (database versions not stated): gnomAD 0.00001; TOPMed 0.00001.

Submissions (2):

Ambry Genetics
Classification: Uncertain significance for Hereditary cancer-predisposing syndrome. Last evaluated: 2025-09-05. Review status: criteria provided, single submitter. Criteria: Ambry Variant Classification Scheme 2023. Collection method: clinical testing. Allele origin: germline.

PreventionGenetics, part of Exact Sciences
Classification: Uncertain significance for GREM1-related condition. Last evaluated: 2025-03-27. Review status: criteria provided, single submitter. Criteria: ACMG Guidelines, 2015. Collection method: clinical testing. Allele origin: germline.
Comment: The GREM1 c.511A>G variant is predicted to result in the amino acid substitution p.Thr171Ala. To our knowledge, this variant has not been reported in the literature. This variant is reported in 0.0065% of alleles in individuals of European (Non-Finnish) descent in gnomAD. This variant has an interpretation of uncertain significance in ClinVar. At this time, the clinical significance of this variant is uncertain due to the absence of conclusive functional and genetic evidence.

NM_013372.7(GREM1):c.511A>G (p.Thr171Ala)

Gene: GREM1 (gremlin 1, DAN family BMP antagonist; plus strand). Cytogenetic location: 15q13.3.
Variant type: single nucleotide variant.
Coding change: c.511A>G on transcript NM_013372.7 (MANE Select); coding-DNA position 511, A replaced by G.
Protein change: p.Thr171Ala; replaces threonine 171 with alanine.
Molecular consequence: missense variant.
Genome position (GRCh38, 1-based): chr15:32,731,201, A>G. VCF-style: chr15-32731201-A-G. GRCh37 (hg19) VCF-style: chr15-33023402-A-G.
Other names: c.301A>G, p.Thr101Ala (NM_001191322.2); c.388A>G, p.Thr130Ala (NM_001191323.2); c.511A>G, p.Thr171Ala (NM_001368719.1); short protein forms T171A, T130A, T101A.
Identifiers: ClinVar variation 1745452 (VCV001745452.5), dbSNP rs1162318366, ClinGen allele CA391558120.